The following is an entry in ClinVar:

ClinVar aggregate classification (germline): Pathogenic. Review status: criteria provided, multiple submitters, no conflicts (2 of 4 stars). 6 submissions from 6 submitters: Pathogenic (6). Last evaluated 2025-08-15.

Conditions:
Propionic acidemia (PROP). Also called: GLYCINEMIA, KETOTIC; HYPERGLYCINEMIA WITH KETOACIDOSIS AND LEUKOPENIA; KETOTIC HYPERGLYCINEMIA. Identifiers: Orphanet 35, MedGen C0268579, MONDO:0011628, OMIM 606054, HP:0003571.

Allele frequency attached by ClinVar (database versions not stated): gnomAD exomes below 0.00001.
gnomAD v4.1: 6 of 1,608,332 alleles (0.00037%); highest among the groups gnomAD compares: South Asian, 0.0066%; no homozygotes.

Submissions (6):

Natera, Inc.
Classification: Pathogenic for Propionic acidemia. Last evaluated: 2025-08-15. Review status: criteria provided, single submitter. Criteria: Natera Variant Classification Schema (03/2026). Collection method: clinical testing. Allele origin: germline.
Comment: The c.1498+2T>C variant in PCCB is a canonical splice donor site variant predicted to affect pre-mRNA splicing, which may result in an abnormal transcript and altered protein product. This variant is expected to result in nonsense mediated decay, truncation, or a dysfunctional protein product. This variant is rare in the general population with a frequency below the threshold expected for the associated phenotype(s). This variant has been observed in one or more individuals affected with the associated recessive disease, as either homozygous or compound heterozygous with a second variant (PMID: 33123633, 27227689). Given the available evidence, this variant is classified as Pathogenic.

Baylor Genetics
Classification: Pathogenic for Propionic acidemia. Last evaluated: 2024-01-28. Review status: criteria provided, single submitter. Criteria: ACMG Guidelines, 2015. Collection method: clinical testing. Allele origin: unknown.

Labcorp Genetics (formerly Invitae), Labcorp
Classification: Pathogenic for Propionic acidemia. Last evaluated: 2023-07-27. Review status: criteria provided, single submitter. Criteria: Invitae Variant Classification Sherloc (09022015). Collection method: clinical testing. Allele origin: germline.
Comment: Variants that disrupt the consensus splice site are a relatively common cause of aberrant splicing (PMID: 17576681, 9536098). Studies have shown that disruption of this splice site results in skipping of exon 14 and introduces a new termination codon (PMID: 17051315). However the mRNA is not expected to undergo nonsense-mediated decay. This variant is not present in population databases (gnomAD no frequency). Disruption of this splice site has been observed in individuals with propionic acidemia (PMID: 17051315, 27227689). ClinVar contains an entry for this variant (Variation ID: 217895). This sequence change affects a donor splice site in intron 14 of the PCCB gene. RNA analysis indicates that disruption of this splice site induces altered splicing and likely disrupts the C-terminus of the protein. For these reasons, this variant has been classified as Pathogenic.

Women's Health and Genetics/Laboratory Corporation of America, LabCorp
Classification: Pathogenic for Propionic acidemia. Last evaluated: 2019-02-28. Review status: criteria provided, single submitter. Criteria: LabCorp Variant Classification Summary - May 2015. Collection method: clinical testing. Allele origin: germline.
Comment: Variant summary: The variant, PCCB c.1498+2T>C is located in a canonical splice-site and is predicted to affect mRNA splicing resulting in a significantly altered protein due to either exon skipping, shortening, or inclusion of intronic material. Several computational tools predict a significant impact on normal splicing: four predict the variant abolishes a 5' splicing donor site. The variant was absent in 246010 control chromosomes (gnomAD) but has been reported in the literature in multiple homozygous individuals affected with severe Propionic Acidemia (Desviat 2006, Gupta 2016). These data indicate that the variant is very likely to be associated with disease. One of these studies also reported, based on cDNA sequence analysis from patients' fibroblasts, that the variant causes skipping of exon 14, resulting in a frameshift; qPCR quantification demonstrated less than 0.1% of the normal PCCB transcripts in these patients (Desviat 2006). No clinical diagnostic laboratories have submitted clinical-significance assessments for this variant to ClinVar after 2014. Based on the evidence outlined above, the variant was classified as pathogenic.

Fulgent Genetics
Classification: Pathogenic for Propionic acidemia. Last evaluated: 2018-10-31. Review status: criteria provided, single submitter. Criteria: ACMG Guidelines, 2015. Collection method: clinical testing. Allele origin: unknown.

Institute of Medical Genetics and Genomics, Sir Ganga Ram Hospital
Classification: Pathogenic for Propionic Acidemia. Review status: criteria provided, single submitter. Criteria: Gupta et al. (Genet Test Mol Biomarkers 2016). Collection method: research. Allele origin: germline. Affected: yes. Observed: 1 variant allele. Study: ORGANIC ACIDURIAS.
Comment: Splice site mutation

Literature cited by the submitters: PubMed 33123633 (cited by Natera, Inc.); PubMed 27227689 (cited by 3 submitters); PubMed 17576681 (cited by Labcorp Genetics (formerly Invitae), Labcorp); PubMed 9536098 (cited by Labcorp Genetics (formerly Invitae), Labcorp); PubMed 17051315 (cited by Labcorp Genetics (formerly Invitae), Labcorp and Women's Health and Genetics/Laboratory Corporation of America, LabCorp); PubMed 25865301 (cited by Women's Health and Genetics/Laboratory Corporation of America, LabCorp).

NM_000532.5(PCCB):c.1498+2T>C

Gene: PCCB (propionyl-CoA carboxylase subunit beta; plus strand). Cytogenetic location: 3q22.3.
Variant type: single nucleotide variant.
Coding change: c.1498+2T>C on transcript NM_000532.5 (MANE Select); the canonical splice donor site of the intron after coding-DNA position 1498, T replaced by C.
Molecular consequence: splice donor variant.
Genome position (GRCh38, 1-based): chr3:136,328,859, T>C. VCF-style: chr3-136328859-T-C. GRCh37 (hg19) VCF-style: chr3-136047701-T-C.
Other names: c.1558+2T>C (NM_001178014.2).
Identifiers: ClinVar variation 217895 (VCV000217895.15), dbSNP rs879253816, ClinGen allele CA10575811.
Genomic context (GRCh38, chr3:136,328,859, plus strand): 5'-AGCTGCTCAGGCAGAGTACATCGAGAAGTTTGCCAACCCTTTCCCTGCAGCAGTGCGAGG[T>C]AGGGGACTGTGGTGAAGAGGGCAGCTTTGTTTGTTTGGTCAACTTGCTCATTCTTTCTCT-3'